The following is an entry in ClinVar:

ClinVar aggregate classification (germline): Uncertain significance. Review status: criteria provided, multiple submitters, no conflicts (2 of 4 stars). 2 submissions from 2 submitters: Uncertain significance (2). Last evaluated 2025-09-05.

Conditions:
Inborn genetic diseases. Identifiers: MedGen C0950123, MeSH D030342.

Allele frequency attached by ClinVar (database versions not stated): ExAC 0.00001; gnomAD 0.00001; gnomAD exomes 0.00001; TOPMed 0.00001.
gnomAD v4.1: 20 of 1,614,074 alleles (0.0012%); highest among the groups gnomAD compares: Non-Finnish European, 0.0014%; no homozygotes.

Submissions (2):

Labcorp Genetics (formerly Invitae), Labcorp
Classification: Uncertain significance. Last evaluated: 2025-09-05. Review status: criteria provided, single submitter. Criteria: Invitae Variant Classification Sherloc (09022015). Collection method: clinical testing. Allele origin: germline.
Comment: This sequence change replaces arginine, which is basic and polar, with cysteine, which is neutral and slightly polar, at codon 112 of the LETM1 protein (p.Arg112Cys). This variant is present in population databases (rs746673958, gnomAD 0.004%). This variant has not been reported in the literature in individuals affected with LETM1-related conditions. ClinVar contains an entry for this variant (Variation ID: 2556456). An algorithm developed to predict the effect of missense changes on protein structure and function outputs the following: PolyPhen-2: "Benign". The cysteine amino acid residue is found in multiple mammalian species, which suggests that this missense change does not adversely affect protein function. In summary, the available evidence is currently insufficient to determine the role of this variant in disease. Therefore, it has been classified as a Variant of Uncertain Significance.

Ambry Genetics
Classification: Uncertain significance for Inborn genetic diseases. Last evaluated: 2025-08-28. Review status: criteria provided, single submitter. Criteria: Ambry Variant Classification Scheme 2023. Collection method: clinical testing. Allele origin: germline.

NM_012318.3(LETM1):c.334C>T (p.Arg112Cys)

Gene: LETM1 (leucine zipper and EF-hand containing transmembrane protein 1; minus strand). Cytogenetic location: 4p16.3.
Variant type: single nucleotide variant.
Coding change: c.334C>T on transcript NM_012318.3 (MANE Select); coding-DNA position 334, C replaced by T.
Protein change: p.Arg112Cys; replaces arginine 112 with cysteine.
Molecular consequence: missense variant.
Genome position (GRCh38, 1-based): chr4:1,841,607, G>A on the plus strand (C>T on the coding strand, the complement: LETM1 is on the minus strand). VCF-style: chr4-1841607-G-A. GRCh37 (hg19) VCF-style: chr4-1843334-G-A.
Other names: short protein forms R112C.
Identifiers: ClinVar variation 2556456 (VCV002556456.4), dbSNP rs746673958, ClinGen allele CA2811660.